The following is an entry in ClinVar:

NM_001242896.3(DEPDC5):c.2515+2T>G

Gene: DEPDC5 (DEP domain containing 5, GATOR1 subcomplex subunit; plus strand). Cytogenetic location: 22q12.3.
Variant type: single nucleotide variant.
Coding change: c.2515+2T>G on transcript NM_001242896.3 (MANE Select); the canonical splice donor site of the intron after coding-DNA position 2515, T replaced by G.
Molecular consequence: splice donor variant.
Genome position (GRCh38, 1-based): chr22:31,838,847, T>G. VCF-style: chr22-31838847-T-G. GRCh37 (hg19) VCF-style: chr22-32234833-T-G.
Other names: c.2515+2T>G (NM_001364318.2, NM_001363852.2, NM_001364320.2); c.2488+2T>G (NM_001136029.4, NM_014662.6, NM_001369903.1); c.2281+2T>G (NM_001363854.2, NM_001242897.2, NM_001364319.2); c.2431+2T>G (NM_001369902.1, NM_001369901.1).
Identifiers: ClinVar variation 2020987 (VCV002020987.4), dbSNP rs2519949224, ClinGen allele CA411287784.

ClinVar aggregate classification (germline): Likely pathogenic (1 of 4 stars; one submission).

Conditions:
Familial focal epilepsy with variable foci (FPEVF). Identifiers: Orphanet 98820, MedGen C1858477, MONDO:0020310.

Submission:

Labcorp Genetics (formerly Invitae), Labcorp
Classification: Likely pathogenic for Familial focal epilepsy with variable foci. Last evaluated: 2022-08-01. Review status: criteria provided, single submitter. Criteria: Invitae Variant Classification Sherloc (09022015). Collection method: clinical testing. Allele origin: germline.
Comment: Algorithms developed to predict the effect of sequence changes on RNA splicing suggest that this variant may disrupt the consensus splice site. In summary, the currently available evidence indicates that the variant is pathogenic, but additional data are needed to prove that conclusively. Therefore, this variant has been classified as Likely Pathogenic. Disruption of this splice site has been observed in individual(s) with clinical features of DEPDC5-related conditions (Invitae). This sequence change affects a donor splice site in intron 27 of the DEPDC5 gene. It is expected to disrupt RNA splicing. Variants that disrupt the donor or acceptor splice site typically lead to a loss of protein function (PMID: 16199547), and loss-of-function variants in DEPDC5 are known to be pathogenic (PMID: 23542697, 23542701). This variant is not present in population databases (gnomAD no frequency).

Literature cited by the submitters: PubMed 16199547; PubMed 23542697; PubMed 23542701.